The following is an entry in ClinVar:

NM_001082971.2(DDC):c.220C>A (p.Pro74Thr)

Genes: DDC (dopa decarboxylase; minus strand), DDC-AS1 (DDC antisense RNA 1; plus strand). Cytogenetic location: 7p12.1.
Variant type: single nucleotide variant.
Coding change: c.220C>A on transcript NM_001082971.2 (MANE Select); coding-DNA position 220, C replaced by A.
Protein change: p.Pro74Thr; replaces proline 74 with threonine.
Molecular consequence: missense variant. On other transcripts: non-coding transcript variant (1), intron variant (2).
Genome position (GRCh38, 1-based): chr7:50,540,010, G>T on the plus strand (C>A on the coding strand, the complement: DDC is on the minus strand). VCF-style: chr7-50540010-G-T. GRCh37 (hg19) VCF-style: chr7-50607708-G-T.
Other names: c.220C>A, p.Pro74Thr (NM_000790.4, NM_001242887.2, NM_001242889.2 and 1 more transcripts); c.201+3875C>A (NM_001242888.2); c.202-2031C>A (NM_001242886.2); short protein forms P74T.
Identifiers: ClinVar variation 1950414 (VCV001950414.4), dbSNP rs1414196907, ClinGen allele CA367529915.
Genomic context (GRCh38, chr7:50,540,010, plus strand): 5'-GCATGTCCGCAAGCATGGCCGGGTACGAGCTGGCAGTGGGGAAGTAGGCGAAGAAGTAGG[G>T]GCTGTGCCAGTGCGTCACCTGCATGGGAGGACAGAGCAGCTGCTGAGGAGTGAGGAAAGC-3'
Protein context (NP_001076440.2, residues 64-84): IMPGVTHWHS[Pro74Thr]YFFAYFPTAS

ClinVar aggregate classification (germline): Uncertain significance (1 of 4 stars; one submission).

Conditions:
Deficiency of aromatic-L-amino-acid decarboxylase. Also called: AADC DEFICIENCY; DDC DEFICIENCY; DOPA DECARBOXYLASE DEFICIENCY; Aromatic L-Amino Acid Decarboxylase Deficiency; Aromatic amino acid decarboxylase deficiency. Identifiers: Orphanet 35708, MedGen C1291564, MONDO:0012084, OMIM 608643.

Allele frequency attached by ClinVar (database versions not stated): gnomAD exomes below 0.00001; TOPMed below 0.00001; gnomAD 0.00001.
gnomAD v4.1: 6 of 1,613,622 alleles (0.00037%); highest among the groups gnomAD compares: Non-Finnish European, 0.00042%; no homozygotes.

Submission:

Labcorp Genetics (formerly Invitae), Labcorp
Classification: Uncertain significance for Deficiency of aromatic-L-amino-acid decarboxylase. Last evaluated: 2023-12-02. Review status: criteria provided, single submitter. Criteria: Invitae Variant Classification Sherloc (09022015). Collection method: clinical testing. Allele origin: germline.
Comment: This sequence change replaces proline, which is neutral and non-polar, with threonine, which is neutral and polar, at codon 74 of the DDC protein (p.Pro74Thr). This variant is not present in population databases (gnomAD no frequency). This variant has not been reported in the literature in individuals affected with DDC-related conditions. ClinVar contains an entry for this variant (Variation ID: 1950414). Advanced modeling of protein sequence and biophysical properties (such as structural, functional, and spatial information, amino acid conservation, physicochemical variation, residue mobility, and thermodynamic stability) performed at Invitae indicates that this missense variant is expected to disrupt DDC protein function with a positive predictive value of 80%. In summary, the available evidence is currently insufficient to determine the role of this variant in disease. Therefore, it has been classified as a Variant of Uncertain Significance.